The following is an entry in ClinVar:

ClinVar aggregate classification (germline): Conflicting classifications of pathogenicity. Review status: criteria provided, conflicting classifications (1 of 4 stars). 3 submissions from 3 submitters: Uncertain significance (2); Likely benign (1). Last evaluated 2026-01-02.

Conditions:
Hereditary cancer-predisposing syndrome. Also called: Tumor predisposition; Hereditary neoplastic syndrome; Hereditary Cancer Syndrome; Neoplastic Syndromes, Hereditary. Identifiers: Orphanet 140162, MedGen C0027672, MeSH D009386, MONDO:0015356.
Hereditary breast ovarian cancer syndrome. Also called: Hereditary breast and ovarian cancer; Breast and ovarian cancer; BRCA1- and BRCA2-Associated Hereditary Breast and Ovarian Cancer; Hereditary breast and ovarian cancer syndrome (HBOC); Hereditary breast and/or ovarian cancer syndrome; Hereditary breast and ovarian cancer syndrome. Identifiers: Orphanet 145, MedGen C0677776, MeSH D061325, MONDO:0003582. Disease mechanism: loss of function.

Allele frequency attached by ClinVar (database versions not stated): gnomAD below 0.00001 and 0.00001; gnomAD exomes below 0.00001; TOPMed below 0.00001.
gnomAD v4.1: 4 of 1,592,218 alleles (0.00025%); highest among the groups gnomAD compares: South Asian, 0.0046%; no homozygotes.

Submissions (3):

Ambry Genetics
Classification: Uncertain significance for Hereditary cancer-predisposing syndrome. Last evaluated: 2026-01-02. Review status: criteria provided, single submitter. Criteria: Ambry Variant Classification Scheme 2023. Collection method: clinical testing. Allele origin: germline.
Comment: The p.V2151I variant (also known as c.6451G>A), located in coding exon 10 of the BRCA2 gene, results from a G to A substitution at nucleotide position 6451. The valine at codon 2151 is replaced by isoleucine, an amino acid with highly similar properties. This amino acid position is not well conserved in available vertebrate species. In addition, the in silico prediction for this alteration is inconclusive. Based on the available evidence, the clinical significance of this variant remains unclear.

Labcorp Genetics (formerly Invitae), Labcorp
Classification: Uncertain significance for Hereditary breast ovarian cancer syndrome. Last evaluated: 2025-03-02. Review status: criteria provided, single submitter. Criteria: Invitae Variant Classification Sherloc (09022015). Collection method: clinical testing. Allele origin: germline.
Comment: This sequence change replaces valine, which is neutral and non-polar, with isoleucine, which is neutral and non-polar, at codon 2151 of the BRCA2 protein (p.Val2151Ile). This variant is present in population databases (no rsID available, gnomAD 0.004%). This missense change has been observed in individual(s) with breast cancer (PMID: 31477031). ClinVar contains an entry for this variant (Variation ID: 960951). Invitae Evidence Modeling of protein sequence and biophysical properties (such as structural, functional, and spatial information, amino acid conservation, physicochemical variation, residue mobility, and thermodynamic stability) indicates that this missense variant is not expected to disrupt BRCA2 protein function with a negative predictive value of 95%. In summary, the available evidence is currently insufficient to determine the role of this variant in disease. Therefore, it has been classified as a Variant of Uncertain Significance.

University of Washington Department of Laboratory Medicine, University of Washington
Classification: Likely benign for Hereditary cancer-predisposing syndrome. Last evaluated: 2023-03-23. Review status: criteria provided, single submitter. Criteria: Dines et al. (Genet Med. 2020). Collection method: curation. Allele origin: germline.
Comment: Missense variant in a coldspot region where missense variants are very unlikely to be pathogenic (PMID:31911673).

BRCA2 exon 11 coldspot. Reclassification based on statistical prior probability.

Literature cited by the submitters: PubMed 31477031 (cited by Labcorp Genetics (formerly Invitae), Labcorp).

NM_000059.4(BRCA2):c.6451G>A (p.Val2151Ile)

Gene: BRCA2 (BRCA2 DNA repair associated; plus strand). Cytogenetic location: 13q13.1.
Variant type: single nucleotide variant.
Coding change: c.6451G>A on transcript NM_000059.4 (MANE Select); coding-DNA position 6451, G replaced by A.
Protein change: p.Val2151Ile; replaces valine 2151 with isoleucine.
Molecular consequence: missense variant.
Genome position (GRCh38, 1-based): chr13:32,340,806, G>A. VCF-style: chr13-32340806-G-A. GRCh37 (hg19) VCF-style: chr13-32914943-G-A.
Other names: short protein forms V2151I.
Identifiers: ClinVar variation 960951 (VCV000960951.12), dbSNP rs1164384033, ClinGen allele CA387789331.
Genomic context (GRCh38, chr13:32,340,806, plus strand): 5'-AAATTATCAAATAACTTAAATGTTGAAGGTGGTTCTTCAGAAAATAATCACTCTATTAAA[G>A]TTTCTCCATATCTCTCTCAATTTCAACAAGACAAACAACAGTTGGTATTAGGAACCAAAG-3'
Protein context (NP_000050.3, residues 2141-2161): GSSENNHSIK[Val2151Ile]SPYLSQFQQD